The following is an entry in ClinVar:

NM_015450.3(POT1):c.1646ATG[1] (p.Asp550del)

Gene: POT1 (protection of telomeres 1; minus strand). Cytogenetic location: 7q31.33.
Variant type: Microsatellite.
Coding change: c.1646ATG[1] on transcript NM_015450.3 (MANE Select); one copy of the 3-base unit ATG starting at c.1646; the reference has two copies in a row; one copy, 3 bases deleted.
Protein change: p.Asp550del; deletes aspartic acid 550.
Molecular consequence: inframe deletion. On other transcripts: non-coding transcript variant (3).
Genome position (GRCh38, 1-based): chr7:124,827,249-124,827,251, CAT deleted on the plus strand (ATG on the coding strand, the reverse complement: POT1 is on the minus strand); deleting any 3 consecutive bases within chr7:124,827,249-124,827,256 gives the same sequence; the position shown is the placement nearest the transcript's 3' end. VCF-style (leftmost placement, unchanged base first): chr7-124827248-CCAT-C. GRCh37 (hg19) VCF-style: chr7-124467302-CCAT-C.
Other names: c.1253ATG[1], p.Asp419del (NM_001042594.2); short protein forms D550del, D419del.
Identifiers: ClinVar variation 1369138 (VCV001369138.8), dbSNP rs2116414852, ClinGen allele CA2580614254.

ClinVar aggregate classification (germline): Uncertain significance (1 of 4 stars; one submission).

Conditions:
Tumor predisposition syndrome 3 (TPDS3). Also called: Melanoma, cutaneous malignant, susceptibility to, 10; Glioma susceptibility 9; LONG TELOMERE SYNDROME, POT1-RELATED; POT1 Tumor Predisposition. Identifiers: Orphanet 618, MedGen C4014476, MONDO:0014368, OMIM 615848.

Submission:

Labcorp Genetics (formerly Invitae), Labcorp
Classification: Uncertain significance for Tumor predisposition syndrome 3. Last evaluated: 2021-07-27. Review status: criteria provided, single submitter. Criteria: Invitae Variant Classification Sherloc (09022015). Collection method: clinical testing. Allele origin: germline.
Comment: In summary, the available evidence is currently insufficient to determine the role of this variant in disease. Therefore, it has been classified as a Variant of Uncertain Significance. This variant has not been reported in the literature in individuals affected with POT1-related conditions. This variant is not present in population databases (ExAC no frequency). This variant, c.1649_1651del, results in the deletion of 1 amino acid(s) of the POT1 protein (p.Asp550del), but otherwise preserves the integrity of the reading frame.